The following is an entry in ClinVar:

NM_001110556.2(FLNA):c.5849C>T (p.Ala1950Val)

Gene: FLNA (filamin A; minus strand). Cytogenetic location: Xq28.
Variant type: single nucleotide variant.
Coding change: c.5849C>T on transcript NM_001110556.2 (MANE Select); coding-DNA position 5849, C replaced by T.
Protein change: p.Ala1950Val; replaces alanine 1950 with valine.
Molecular consequence: missense variant.
Genome position (GRCh38, 1-based): chrX:154,353,565, G>A on the plus strand (C>T on the coding strand, the complement: FLNA is on the minus strand). VCF-style: chrX-154353565-G-A. GRCh37 (hg19) VCF-style: chrX-153581933-G-A.
Other names: c.5825C>T, p.Ala1942Val (NM_001456.4); short protein forms A1942V, A1950V.
Identifiers: ClinVar variation 1703965 (VCV001703965.11), dbSNP rs2067639202, ClinGen allele CA415198792.

ClinVar aggregate classification (germline): Conflicting classifications of pathogenicity. Review status: criteria provided, conflicting classifications (1 of 4 stars). 4 submissions from 4 submitters: Uncertain significance (3); Likely benign (1). Last evaluated 2026-04-01.

Conditions:
Melnick-Needles syndrome (MNS). Also called: Melnick-Needles Syndrome (FLNA-MNS); MELNICK-NEEDLES OSTEODYSPLASTY; OSTEODYSPLASTY OF MELNICK AND NEEDLES. Identifiers: Orphanet 2484, MedGen C0025237, MONDO:0010650, OMIM 309350.
Heterotopia, periventricular, X-linked dominant (PVNH1). Also called: PERIVENTRICULAR NODULAR HETEROTOPIA 1; X-linked periventricular heterotopia; PERIVENTRICULAR NODULAR HETEROTOPIA 4; HETEROTOPIA, PERIVENTRICULAR, 1. Identifiers: Orphanet 2149, Orphanet 82004, MedGen C1848213, MONDO:0010233, OMIM 300049.
Frontometaphyseal dysplasia (FMD1). Identifiers: Orphanet 1826, MedGen C0265293, MONDO:0015942.
Oto-palato-digital syndrome, type II (OPD2). Also called: Otopalatodigital Syndrome Type 2 (FLNA-OPD2); FACIOPALATOOSSEOUS SYNDROME; OPD II SYNDROME; Otopalatodigital Syndrome, Type II. Identifiers: Orphanet 669, Orphanet 90652, MedGen C1844696, MONDO:0010571, OMIM 304120.
Familial thoracic aortic aneurysm and aortic dissection (TAAD). Also called: Thoracic aortic aneurysms and dissections. Identifiers: Orphanet 91387, MedGen C4707243, MONDO:0019625.

Allele frequency attached by ClinVar (database versions not stated): TOPMed below 0.00001; gnomAD exomes 0.00002.
gnomAD v4.1: 16 of 1,211,376 alleles (0.0013%); highest among the groups gnomAD compares: Non-Finnish European, 0.0018%; no homozygotes.

Submissions (4):

CeGaT Center for Human Genetics Tuebingen
Classification: Likely benign. Last evaluated: 2026-04-01. Review status: criteria provided, single submitter. Criteria: CeGaT Center For Human Genetics Tuebingen Variant Classification Criteria Version 2. Collection method: clinical testing. Allele origin: germline. Affected: yes. Observed: 1 variant allele.
Comment: FLNA: BS2

Labcorp Genetics (formerly Invitae), Labcorp
Classification: Uncertain significance for Oto-palato-digital syndrome, type II; Heterotopia, periventricular, X-linked dominant; Frontometaphyseal dysplasia; Melnick-Needles syndrome. Last evaluated: 2025-06-11. Review status: criteria provided, single submitter. Criteria: Invitae Variant Classification Sherloc (09022015). Collection method: clinical testing. Allele origin: germline.
Comment: This sequence change replaces alanine, which is neutral and non-polar, with valine, which is neutral and non-polar, at codon 1942 of the FLNA protein (p.Ala1942Val). This variant is not present in population databases (gnomAD no frequency). This variant has not been reported in the literature in individuals affected with FLNA-related conditions. ClinVar contains an entry for this variant (Variation ID: 1703965). Invitae Evidence Modeling of protein sequence and biophysical properties (such as structural, functional, and spatial information, amino acid conservation, physicochemical variation, residue mobility, and thermodynamic stability) indicates that this missense variant is not expected to disrupt FLNA protein function with a negative predictive value of 95%. In summary, the available evidence is currently insufficient to determine the role of this variant in disease. Therefore, it has been classified as a Variant of Uncertain Significance.

GeneDx
Classification: Uncertain significance. Last evaluated: 2024-09-04. Review status: criteria provided, single submitter. Criteria: GeneDx Variant Classification Process June 2021. Collection method: clinical testing. Allele origin: germline. Affected: yes.
Comment: Not observed at significant frequency in large population cohorts (gnomAD); In silico analysis supports that this missense variant has a deleterious effect on protein structure/function; Has not been previously published as pathogenic or benign to our knowledge

Ambry Genetics
Classification: Uncertain significance for Familial thoracic aortic aneurysm and aortic dissection. Last evaluated: 2023-12-22. Review status: criteria provided, single submitter. Criteria: Ambry Variant Classification Scheme 2023. Collection method: clinical testing. Allele origin: germline.
Comment: The p.A1942V variant (also known as c.5825C>T), located in coding exon 34 of the FLNA gene, results from a C to T substitution at nucleotide position 5825. The alanine at codon 1942 is replaced by valine, an amino acid with similar properties. This amino acid position is highly conserved in available vertebrate species. In addition, this alteration is predicted to be deleterious by in silico analysis. Since supporting evidence is limited at this time, the clinical significance of this alteration remains unclear.